The following is an entry in ClinVar:

NM_000138.5(FBN1):c.3872G>C (p.Cys1291Ser)

Gene: FBN1 (fibrillin 1; minus strand). Cytogenetic location: 15q21.1.
Variant type: single nucleotide variant.
Coding change: c.3872G>C on transcript NM_000138.5 (MANE Select); coding-DNA position 3872, G replaced by C.
Protein change: p.Cys1291Ser; replaces cysteine 1291 with serine.
Molecular consequence: missense variant.
Genome position (GRCh38, 1-based): chr15:48,481,747, C>G on the plus strand (G>C on the coding strand, the complement: FBN1 is on the minus strand). VCF-style: chr15-48481747-C-G. GRCh37 (hg19) VCF-style: chr15-48773944-C-G.
Other names: c.3872G>C, p.Cys1291Ser (NM_001406716.1); short protein forms C1291S.
Identifiers: ClinVar variation 4789656 (VCV004789656.1).

ClinVar aggregate classification (germline): Likely pathogenic (1 of 4 stars; one submission).

Conditions:
Marfan syndrome (MFS). Also called: FBN1-Related Marfan Syndrome; MARFAN SYNDROME, TYPE I; Marfan syndrome type 1; Marfan's syndrome; Marfan syndrome, classic. Identifiers: Orphanet 284963, Orphanet 558, MedGen C0024796, MONDO:0007947, OMIM 154700.
Familial thoracic aortic aneurysm and aortic dissection (TAAD). Also called: Thoracic aortic aneurysms and dissections. Identifiers: Orphanet 91387, MedGen C4707243, MONDO:0019625.

Submission:

Labcorp Genetics (formerly Invitae), Labcorp
Classification: Likely pathogenic for Marfan syndrome; Familial thoracic aortic aneurysm and aortic dissection. Last evaluated: 2025-05-06. Review status: criteria provided, single submitter. Criteria: Invitae Variant Classification Sherloc (09022015). Collection method: clinical testing. Allele origin: germline.
Comment: This sequence change replaces cysteine, which is neutral and slightly polar, with serine, which is neutral and polar, at codon 1291 of the FBN1 protein (p.Cys1291Ser). This variant is not present in population databases (gnomAD no frequency). This variant has not been reported in the literature in individuals affected with FBN1-related conditions. Invitae Evidence Modeling of protein sequence and biophysical properties (such as structural, functional, and spatial information, amino acid conservation, physicochemical variation, residue mobility, and thermodynamic stability) indicates that this missense variant is expected to disrupt FBN1 protein function with a positive predictive value of 95%. This variant affects a cysteine residue in the EGF-like, TGFBP or hybrid motif domains of FBN1. Cysteine residues are believed to be involved in intramolecular disulfide bridges and have been shown to be important for FBN1 protein structure (PMID: 16905551, 19349279). In addition, missense substitutions affecting cysteine residues within these domains are significantly overrepresented among patients with Marfan syndrome (PMID: 16571647, 17701892). In summary, the currently available evidence indicates that the variant is pathogenic, but additional data are needed to prove that conclusively. Therefore, this variant has been classified as Likely Pathogenic.

Literature cited by the submitters: PubMed 16905551; PubMed 19349279; PubMed 16571647; PubMed 17701892.